The following is an entry in ClinVar:

ClinVar aggregate classification (germline): Likely benign (1 of 4 stars; one submission).

Allele frequency attached by ClinVar (database versions not stated): gnomAD exomes 0.00002 and 0.00003; gnomAD 0.00004 and 0.00005; TOPMed 0.00005; 1000 Genomes Project 30x 0.00016; 1000 Genomes Project 0.00020.
gnomAD v4.1: 62 of 1,536,180 alleles (0.004%); highest among the groups gnomAD compares: Middle Eastern, 0.17%; no homozygotes.

Submission:

CeGaT Center for Human Genetics Tuebingen
Classification: Likely benign. Last evaluated: 2022-07-01. Review status: criteria provided, single submitter. Criteria: CeGaT Center For Human Genetics Tuebingen Variant Classification Criteria Version 2. Collection method: clinical testing. Allele origin: germline. Affected: yes. Observed: 1 variant allele.
Comment: ZFHX2: BP4

NM_033400.3(ZFHX2):c.696C>T (p.His232=)

Genes: THTPA (thiamine triphosphatase; plus strand), ZFHX2 (zinc finger homeobox 2; minus strand). Cytogenetic location: 14q11.2.
Variant type: single nucleotide variant.
Coding change: c.696C>T on transcript NM_033400.3 (MANE Select); coding-DNA position 696, C replaced by T.
Protein change: p.His232=; no amino-acid change (histidine 232 retained).
Molecular consequence: synonymous variant.
Genome position (GRCh38, 1-based): chr14:23,534,630, G>A on the plus strand (C>T on the coding strand, the complement: ZFHX2 is on the minus strand). VCF-style: chr14-23534630-G-A. GRCh37 (hg19) VCF-style: chr14-24003839-G-A.
Identifiers: ClinVar variation 1701228 (VCV001701228.31), dbSNP rs376822390, ClinGen allele CA257798507.